The following is an entry in ClinVar:

ClinVar aggregate classification (germline): Benign. Review status: criteria provided, single submitter (1 of 4 stars). 2 submissions from 2 submitters: Benign (1). 1 of the submissions does not count toward it. Last evaluated 2025-10-27.

Conditions:
SCARB1-related disorder. Also called: SCARB1-related condition.

Allele frequency attached by ClinVar (database versions not stated): gnomAD exomes 0.00014 and 0.00042; ExAC 0.00064; gnomAD 0.00158 and 0.00175; ESP Exome Variant Server 0.00185; TOPMed 0.00185; 1000 Genomes Project 0.00220; 1000 Genomes Project 30x 0.00234.

Submissions (3):

Labcorp Genetics (formerly Invitae), Labcorp
Classification: Benign. Last evaluated: 2025-10-27. Review status: criteria provided, single submitter. Criteria: Invitae Variant Classification Sherloc (09022015). Collection method: clinical testing. Allele origin: germline.

PreventionGenetics, part of Exact Sciences
Classification: Likely benign for SCARB1-related condition. Last evaluated: 2019-02-21. Review status: no assertion criteria provided. Collection method: clinical testing. Allele origin: germline. Not counted in ClinVar's aggregate classification.
Comment: This variant is classified as likely benign based on ACMG/AMP sequence variant interpretation guidelines (Richards et al. 2015 PMID: 25741868, with internal and published modifications).

Dr. Peter K. Rogan Lab, Western University
No classification provided (evidence only). Condition: Cervical cancer. Review status: no classification provided. Collection method: in vitro. Allele origin: not applicable. Functional consequence: skipped exon, retained intron. Not counted in ClinVar's aggregate classification.

NM_005505.5(SCARB1):c.631-14T>G

Gene: SCARB1 (scavenger receptor class B member 1; minus strand). Cytogenetic location: 12q24.31.
Variant type: single nucleotide variant.
Coding change: c.631-14T>G on transcript NM_005505.5 (MANE Select); 14 bases into the intron before coding-DNA position 631, T replaced by G.
Molecular consequence: intron variant.
Genome position (GRCh38, 1-based): chr12:124,811,979, A>C on the plus strand (T>G on the coding strand, the complement: SCARB1 is on the minus strand). VCF-style: chr12-124811979-A-C. GRCh37 (hg19) VCF-style: chr12-125296525-A-C.
Other names: c.631-14T>G (NM_005505.4, NM_001367988.1, NM_001367985.1 and 7 more transcripts); c.508-14T>G (NM_001367982.1).
Identifiers: ClinVar variation 1601376 (VCV001601376.11), dbSNP rs113910315, ClinGen allele CA6870490.